The following is an entry in ClinVar:

ClinVar aggregate classification (germline): Uncertain significance (1 of 4 stars; one submission).

Submission:

GeneDx
Classification: Uncertain significance. Last evaluated: 2024-09-06. Review status: criteria provided, single submitter. Criteria: GeneDx Variant Classification Process June 2021. Collection method: clinical testing. Allele origin: germline. Affected: yes.
Comment: Not observed at significant frequency in large population cohorts (gnomAD); In silico analysis supports that this missense variant has a deleterious effect on protein structure/function; Has not been previously published as pathogenic or benign to our knowledge

NM_001244008.2(KIF1A):c.1517T>C (p.Leu506Pro)

Gene: KIF1A (kinesin family member 1A; minus strand). Cytogenetic location: 2q37.3.
Variant type: single nucleotide variant.
Coding change: c.1517T>C on transcript NM_001244008.2 (MANE Select); coding-DNA position 1517, T replaced by C.
Protein change: p.Leu506Pro; replaces leucine 506 with proline.
Molecular consequence: missense variant.
Genome position (GRCh38, 1-based): chr2:240,767,326, A>G on the plus strand (T>C on the coding strand, the complement: KIF1A is on the minus strand). VCF-style: chr2-240767326-A-G. GRCh37 (hg19) VCF-style: chr2-241706743-A-G.
Other names: c.1517T>C, p.Leu506Pro (NM_001320705.2, NM_001330289.2, NM_001379638.1); c.1592T>C, p.Leu531Pro (NM_001330290.2, NM_001379631.1, NM_001379634.1 and 2 more transcripts); c.1490T>C, p.Leu497Pro (NM_001379632.1, NM_001379633.1, NM_001379636.1 and 10 more transcripts); c.1565T>C, p.Leu522Pro (NM_001379637.1, NM_001379648.1); short protein forms L497P, L506P, L522P, L531P.
Identifiers: ClinVar variation 3767470 (VCV003767470.1).